The following is an entry in ClinVar:

NM_000518.5(HBB):c.85dup (p.Leu29fs)

Genes: HBB (hemoglobin subunit beta; minus strand), LOC106099062 (HBB recombination region; plus strand), LOC107133510 (origin of replication at HBB; plus strand). Cytogenetic location: 11p15.4.
Variant type: Duplication.
Coding change: c.85dup on transcript NM_000518.5 (MANE Select); coding-DNA position 85, one base duplicated (C; older notation c.85dupC).
Protein change: p.Leu29fs; shifts the reading frame from leucine 29.
Molecular consequence: frameshift variant.
Genome position (GRCh38, 1-based): chr11:5,226,937, G duplicated on the plus strand (C on the coding strand, the reverse complement: HBB is on the minus strand); the first of 3 consecutive G bases (chr11:5,226,937-5,226,939); duplicating any one gives the same sequence. VCF-style (leftmost placement, unchanged base first): chr11-5226936-A-AG. GRCh37 (hg19) VCF-style: chr11-5248166-A-AG.
Other names: CD 27/28 (+C); c.85dupC (NM_000518.4, NM_000518.5); c.85dup (NM_000518.4); short protein forms L29fs.
Identifiers: ClinVar variation 15432 (VCV000015432.115), dbSNP rs35532010, ClinGen allele CA210559.

ClinVar aggregate classification (germline): Pathogenic. Review status: criteria provided, multiple submitters, no conflicts (2 of 4 stars). 11 submissions from 11 submitters: Pathogenic (8). 3 of the submissions do not count toward it. Last evaluated 2025-08-10.

Conditions:
Beta-thalassemia HBB/LCRB. Identifiers: MedGen CN322236, MONDO:0013517, OMIM 613985.
Dominant beta-thalassemia. Also called: Beta-thalassemia, dominant inclusion body type. Identifiers: Orphanet 231226, Orphanet 848, MedGen C1858990, MONDO:0011381, OMIM 603902.
Erythrocytosis, familial, 6. Also called: ERYTHROCYTOSIS, BETA-GLOBIN TYPE; POLYCYTHEMIA, BETA-GLOBIN TYPE. Identifiers: MedGen C4693822, MONDO:0054801, OMIM 617980.
Malaria, susceptibility to. Identifiers: Orphanet 673, MedGen C1970028, MONDO:0021024, OMIM 611162.
Hereditary persistence of fetal hemoglobin. Identifiers: MedGen C0019025, MONDO:0020989, OMIM 141749.
METHEMOGLOBINEMIA, BETA TYPE. Also called: Methemoglobinemia, beta-globin type. Identifiers: MedGen C1840779, OMIM 617971.
Heinz body anemia. Also called: Heinz body hemolytic anemia. Identifiers: Orphanet 178330, MedGen C0700299, MONDO:0007705, OMIM 140700, HP:0005511.
Hb SS disease (SCD). Also called: Hemoglobin SS; Sickle cell disease; HbS disease; Hemoglobin S Disease; Sickling disorder due to hemoglobin S; Sickle cell anemia. Identifiers: Orphanet 232, Orphanet 275752, MedGen C0002895, MONDO:0011382, OMIM 603903.
Hemoglobinopathy. Also called: Hemoglobin disorder; Haemoglobinopathies. Identifiers: MedGen C0019045, MONDO:0044348.
beta Thalassemia (BTHAL). Also called: Cooley's anemia; Erythroblastic anemia; Mediterranean anemia. Identifiers: Orphanet 848, MedGen C0005283, MONDO:0019402. Disease mechanism: loss of function.
Beta zero thalassemia. Identifiers: MedGen C0271980.

Submissions (11):

Natera, Inc.
Classification: Pathogenic for Beta thalassemia. Last evaluated: 2025-08-10. Review status: criteria provided, single submitter. Criteria: Natera Variant Classification Schema (03/2026). Collection method: clinical testing. Allele origin: germline.
Comment: The c.85dupC variant in HBB is a frameshift variant predicted to shift the reading frame beginning at codon 29 and leads to a stop codon 16 codons downstream. This variant is expected to result in nonsense mediated decay, truncation, or a dysfunctional protein product. This variant is rare in the general population with a frequency below the threshold expected for the associated phenotype(s). This variant has been observed in one or more individuals affected with the associated recessive disease, as either homozygous or compound heterozygous with a second variant (PMID: 28669403). Given the available evidence, this variant is classified as Pathogenic.

Quest Diagnostics Nichols Institute San Juan Capistrano
Classification: Pathogenic. Last evaluated: 2025-08-06. Review status: criteria provided, single submitter. Criteria: Quest Diagnostics criteria. Collection method: clinical testing. Allele origin: unknown.
Comment: The HBB c.85dup (p.Leu29Profs*16) variant (also known as 84_85insC, CD 27/28 (+C)) alters the translational reading frame of the HBB mRNA and causes the premature termination of HBB protein synthesis. In the published literature, this variant has been reported in the compound heterozygous and homozygous state in individuals with beta(0)-thalassemia (PMIDs: 25089872 (2014), 23383304 (2013), 21599435 (2011), 2014803 (1991), 1850955 (1991), 8435318 (1993)). This variant has not been reported in large, multi-ethnic general populations (Genome Aggregation Database). Based on the available information, this variant is classified as pathogenic.

Fulgent Genetics
Classification: Pathogenic for Heinz body anemia; Hereditary persistence of fetal hemoglobin; Dominant beta-thalassemia; Hb SS disease; Malaria, susceptibility to; Beta-thalassemia HBB/LCRB; METHEMOGLOBINEMIA, BETA TYPE; Erythrocytosis, familial, 6. Last evaluated: 2024-06-24. Review status: criteria provided, single submitter. Criteria: ACMG Guidelines, 2015. Collection method: clinical testing. Allele origin: germline.

Labcorp Genetics (formerly Invitae), Labcorp
Classification: Pathogenic. Last evaluated: 2024-01-05. Review status: criteria provided, single submitter. Criteria: Invitae Variant Classification Sherloc (09022015). Collection method: clinical testing. Allele origin: germline.
Comment: This sequence change creates a premature translational stop signal (p.Leu29Profs*16) in the HBB gene. It is expected to result in an absent or disrupted protein product. Loss-of-function variants in HBB are known to be pathogenic (PMID: 23637309). This variant is not present in population databases (gnomAD no frequency). This premature translational stop signal has been observed in individuals with beta thalassaemia (PMID: 1850955, 2014803). This variant is also known as 27-28insC. ClinVar contains an entry for this variant (Variation ID: 15432). For these reasons, this variant has been classified as Pathogenic.

ARUP Laboratories, Molecular Genetics and Genomics, ARUP Laboratories
Classification: Pathogenic. Last evaluated: 2023-09-04. Review status: criteria provided, single submitter. Criteria: ARUP Molecular Germline Variant Investigation Process 2024. Collection method: clinical testing. Allele origin: germline.
Comment: The HBB c.85dup; p.Leu29ProfsTer16 variant (also known as Codons 27/28 (+C), rs35532010, HbVar ID: 810) is reported in the literature in multiple individuals affected with beta-thalassemia major in the compound heterozygous state with another pathogenic HBB variant (Lin 1991, Liu 2011, HbVar and references therein). The p.Leu29ProfsTer16 variant has also been described in beta-thalassemia minor patients without additional reported variants (Liu 2011, HbVar and references therein). This variant is reported as pathogenic/likely pathogenic by several laboratories in ClinVar (Variation ID: 15432), and it is absent the Genome Aggregation Database, indicating it is not a common polymorphism. This variant causes a frameshift by inserting a single nucleotide, so it is predicted to result in a truncated protein or mRNA subject to nonsense-mediated decay. Based on available information, the p.Leu29ProfsTer16 variant is considered to be pathogenic. References: Link to HbVar database: Lin LI et al. The spectrum of beta-thalassemia mutations in Taiwan: identification of a novel frameshift mutation. Am J Hum Genet. 1991 Apr;48(4):809-12. PMID: 2014803. Liu SC et al. Molecular lesion frequency of hemoglobin gene disorders in Taiwan. Hemoglobin. 2011;35(3):228-36. PMID: 21599435.

Women's Health and Genetics/Laboratory Corporation of America, LabCorp
Classification: Pathogenic for Hemoglobinopathy. Last evaluated: 2018-04-27. Review status: criteria provided, single submitter. Criteria: LabCorp Variant Classification Summary - May 2015. Collection method: clinical testing. Allele origin: germline.
Comment: Variant summary: HBB c.85dupC (p.Leu29ProfsX16) results in a premature termination codon, predicted to cause a truncation of the encoded protein or absence of the protein due to nonsense mediated decay, which are commonly known mechanisms for disease. The variant was absent in 277176 control chromosomes (gnomAD and publications). The variant, c.85dupC, has been reported in the literature in multiple individuals affected with Beta Thalassemia Major. These data indicate that the variant is very likely to be associated with disease. To our knowledge, no experimental evidence demonstrating an impact on protein function has been reported. Multiple ClinVar submissions from clinical diagnostic laboratories (evaluation after 2014) cites variant as "pathogenic." Based on the evidence outlined above, the variant was classified as pathogenic.

Baylor Genetics
Classification: Pathogenic for Hb SS disease. Review status: criteria provided, single submitter. Criteria: ACMG Guidelines, 2015. Collection method: clinical testing. Allele origin: germline.

Juno Genomics, Hangzhou Juno Genomics, Inc
Classification: Pathogenic for Beta-thalassemia HBB/LCRB. Review status: criteria provided, single submitter. Criteria: ACMG Guidelines, 2015. Collection method: clinical testing. Allele origin: germline.
Comment: Absent from controls (or at extremely low frequency if recessive) in Genome Aggregation Database.;Null variant in a gene where loss of function (LOF) is a known mechanism of disease.;Patient's phenotype or family history is highly specific for a disease with a single genetic etiology.

The ITHANET community portal, The Cyprus Institute of Neurology and Genetics
Classification: Pathogenic for beta Thalassemia. Last evaluated: 2019-11-25. Review status: no assertion criteria provided. Collection method: curation. Allele origin: germline. Not counted in ClinVar's aggregate classification.

OMIM
Classification: Pathogenic for BETA-ZERO-THALASSEMIA. Last evaluated: 2017-12-12. Review status: no assertion criteria provided. Collection method: literature only. Allele origin: germline. Not counted in ClinVar's aggregate classification.

Counsyl
Classification: Likely pathogenic for beta Thalassemia. Last evaluated: 2014-11-06. Review status: no assertion criteria provided. Collection method: literature only. Allele origin: unknown. Inheritance: Autosomal recessive inheritance. Not counted in ClinVar's aggregate classification.

Literature cited by the submitters: PubMed 28669403 (cited by Natera, Inc.); PubMed 1850955 (cited by 5 submitters); PubMed 2014803 (cited by 5 submitters); PubMed 30275481 (cited by Quest Diagnostics Nichols Institute San Juan Capistrano); PubMed 25089872 (cited by Quest Diagnostics Nichols Institute San Juan Capistrano and Women's Health and Genetics/Laboratory Corporation of America, LabCorp); PubMed 25000193 (cited by Quest Diagnostics Nichols Institute San Juan Capistrano and Counsyl); PubMed 23383304 (cited by Quest Diagnostics Nichols Institute San Juan Capistrano and Counsyl); PubMed 21599435 (cited by 3 submitters); PubMed 15761692 (cited by Quest Diagnostics Nichols Institute San Juan Capistrano and Women's Health and Genetics/Laboratory Corporation of America, LabCorp); PubMed 12955718 (cited by Quest Diagnostics Nichols Institute San Juan Capistrano and Women's Health and Genetics/Laboratory Corporation of America, LabCorp); PubMed 8435318 (cited by Quest Diagnostics Nichols Institute San Juan Capistrano and Women's Health and Genetics/Laboratory Corporation of America, LabCorp); PubMed 23637309 (cited by Labcorp Genetics (formerly Invitae), Labcorp); PubMed 2298920 (cited by OMIM).